The following is an entry in ClinVar:

ClinVar aggregate classification (germline): Uncertain significance (1 of 4 stars; one submission).

Conditions:
Short-rib thoracic dysplasia 14 with polydactyly (SRTD14). Identifiers: Orphanet 397715, MedGen C4225286, MONDO:0014688, OMIM 616546.
Joubert syndrome 23 (JBTS23). Identifiers: Orphanet 475, MedGen C4084822, MONDO:0014664, OMIM 616490.

Allele frequency attached by ClinVar (database versions not stated): gnomAD exomes below 0.00001; gnomAD 0.00001.
gnomAD v4.1: 3 of 1,613,290 alleles (0.00019%); highest among the groups gnomAD compares: Middle Eastern, 0.016%; no homozygotes.

Submission:

Labcorp Genetics (formerly Invitae), Labcorp
Classification: Uncertain significance for Joubert syndrome 23; Short-rib thoracic dysplasia 14 with polydactyly. Last evaluated: 2023-11-13. Review status: criteria provided, single submitter. Criteria: Invitae Variant Classification Sherloc (09022015). Collection method: clinical testing. Allele origin: germline.
Comment: This sequence change replaces aspartic acid, which is acidic and polar, with glutamic acid, which is acidic and polar, at codon 1188 of the KIAA0586 protein (p.Asp1188Glu). This variant is not present in population databases (gnomAD no frequency). This variant has not been reported in the literature in individuals affected with KIAA0586-related conditions. ClinVar contains an entry for this variant (Variation ID: 2074949). Advanced modeling of protein sequence and biophysical properties (such as structural, functional, and spatial information, amino acid conservation, physicochemical variation, residue mobility, and thermodynamic stability) performed at Invitae indicates that this missense variant is not expected to disrupt KIAA0586 protein function with a negative predictive value of 80%. In summary, the available evidence is currently insufficient to determine the role of this variant in disease. Therefore, it has been classified as a Variant of Uncertain Significance.

NM_001329943.3(KIAA0586):c.3405T>G (p.Asp1135Glu)

Gene: KIAA0586 (KIAA0586; plus strand). Cytogenetic location: 14q23.1.
Variant type: single nucleotide variant.
Coding change: c.3405T>G on transcript NM_001329943.3 (MANE Select); coding-DNA position 3405, T replaced by G.
Protein change: p.Asp1135Glu; replaces aspartic acid 1135 with glutamic acid.
Molecular consequence: missense variant.
Genome position (GRCh38, 1-based): chr14:58,487,987, T>G. VCF-style: chr14-58487987-T-G. GRCh37 (hg19) VCF-style: chr14-58954705-T-G.
Other names: c.3564T>G, p.Asp1188Glu (NM_001244189.2); c.3360T>G, p.Asp1120Glu (NM_001244190.2); c.3150T>G, p.Asp1050Glu (NM_001244191.2, NM_001329945.2, NM_001364700.1 and 1 more transcripts); c.3273T>G, p.Asp1091Glu (NM_001244192.2); c.2985T>G, p.Asp995Glu (NM_001244193.2); c.3405T>G, p.Asp1135Glu (NM_001329944.2, NM_001329946.2, NM_001329947.2); c.3177T>G, p.Asp1059Glu (NM_014749.5); short protein forms D1135E, D1050E, D1091E, D1120E, D995E, D1059E, D1188E.
Identifiers: ClinVar variation 2074949 (VCV002074949.2), dbSNP rs2042584318, ClinGen allele CA389881890.